The following is an entry in ClinVar:

ClinVar aggregate classification (germline): Uncertain significance. Review status: criteria provided, multiple submitters, no conflicts (2 of 4 stars). 2 submissions from 2 submitters: Uncertain significance (2). Last evaluated 2024-08-21.

Submissions (2):

Blueprint Genetics
Classification: Uncertain significance. Last evaluated: 2024-08-21. Review status: criteria provided, single submitter. Criteria: ACMG Guidelines, 2015. Collection method: clinical testing. Allele origin: germline.

Labcorp Genetics (formerly Invitae), Labcorp
Classification: Uncertain significance. Last evaluated: 2024-06-10. Review status: criteria provided, single submitter. Criteria: Invitae Variant Classification Sherloc (09022015). Collection method: clinical testing. Allele origin: germline.
Comment: This sequence change replaces glycine, which is neutral and non-polar, with valine, which is neutral and non-polar, at codon 2353 of the FLNB protein (p.Gly2353Val). This variant is not present in population databases (gnomAD no frequency). This variant has not been reported in the literature in individuals affected with FLNB-related conditions. Advanced modeling of protein sequence and biophysical properties (such as structural, functional, and spatial information, amino acid conservation, physicochemical variation, residue mobility, and thermodynamic stability) performed at Invitae indicates that this missense variant is not expected to disrupt FLNB protein function with a negative predictive value of 95%. In summary, the available evidence is currently insufficient to determine the role of this variant in disease. Therefore, it has been classified as a Variant of Uncertain Significance.

NM_001457.4(FLNB):c.7058G>T (p.Gly2353Val)

Genes: FLNB-AS1 (FLNB antisense RNA 1; minus strand), FLNB (filamin B; plus strand). Cytogenetic location: 3p14.3.
Variant type: single nucleotide variant.
Coding change: c.7058G>T on transcript NM_001457.4 (MANE Select); coding-DNA position 7058, G replaced by T.
Protein change: p.Gly2353Val; replaces glycine 2353 with valine.
Molecular consequence: missense variant. On other transcripts: non-coding transcript variant (1).
Genome position (GRCh38, 1-based): chr3:58,163,190, G>T. VCF-style: chr3-58163190-G-T. GRCh37 (hg19) VCF-style: chr3-58148917-G-T.
Other names: c.7151G>T, p.Gly2384Val (NM_001164317.2); c.7025G>T, p.Gly2342Val (NM_001164318.2); c.6986G>T, p.Gly2329Val (NM_001164319.2); short protein forms G2329V, G2342V, G2353V, G2384V.
Identifiers: ClinVar variation 3635756 (VCV003635756.3).
Genomic context (GRCh38, chr3:58,163,190, plus strand): 5'-CTGTGCCTTTGCTCATTCTCCTAGATAAGTATGCTGTTCGCTTCATCCCTCATGAGAATG[G>T]TGTCCACACCATCGATGTCAAGTTCAATGGGAGCCACGTGGTTGGAAGCCCCTTCAAAGT-3'
Protein context (NP_001448.2, residues 2343-2363): YAVRFIPHEN[Gly2353Val]VHTIDVKFNG